The following is an entry in ClinVar:

ClinVar aggregate classification (germline): Likely pathogenic (1 of 4 stars; one submission).

Conditions:
Early-infantile DEE. Also called: Early infantile epileptic encephalopathy with suppression bursts; Early infantile epileptic encephalopathy; Ohtahara syndrome. Identifiers: Orphanet 1934, MedGen C0393706, MONDO:0800491.

Submission:

Labcorp Genetics (formerly Invitae), Labcorp
Classification: Likely pathogenic for Early-infantile DEE. Last evaluated: 2024-01-15. Review status: criteria provided, single submitter. Criteria: Invitae Variant Classification Sherloc (09022015). Collection method: clinical testing. Allele origin: germline.
Comment: This sequence change replaces leucine, which is neutral and non-polar, with arginine, which is basic and polar, at codon 351 of the KCNQ2 protein (p.Leu351Arg). This variant is not present in population databases (gnomAD no frequency). This missense change has been observed in individuals with clinical features of KCNQ2-related conditions (Invitae). ClinVar contains an entry for this variant (Variation ID: 1470373). Advanced modeling of protein sequence and biophysical properties (such as structural, functional, and spatial information, amino acid conservation, physicochemical variation, residue mobility, and thermodynamic stability) performed at Invitae indicates that this missense variant is not expected to disrupt KCNQ2 protein function with a negative predictive value of 95%. This variant disrupts the p.Leu351 amino acid residue in KCNQ2. Other variant(s) that disrupt this residue have been observed in individuals with KCNQ2-related conditions (PMID: 24375629), which suggests that this may be a clinically significant amino acid residue. In summary, the currently available evidence indicates that the variant is pathogenic, but additional data are needed to prove that conclusively. Therefore, this variant has been classified as Likely Pathogenic.

Literature cited by the submitters: PubMed 24375629.

NM_172107.4(KCNQ2):c.1052T>G (p.Leu351Arg)

Gene: KCNQ2 (potassium voltage-gated channel subfamily Q member 2; minus strand). Cytogenetic location: 20q13.33.
Variant type: single nucleotide variant.
Coding change: c.1052T>G on transcript NM_172107.4 (MANE Select); coding-DNA position 1052, T replaced by G.
Protein change: p.Leu351Arg; replaces leucine 351 with arginine.
Molecular consequence: missense variant.
Genome position (GRCh38, 1-based): chr20:63,433,875, A>C on the plus strand (T>G on the coding strand, the complement: KCNQ2 is on the minus strand). VCF-style: chr20-63433875-A-C. GRCh37 (hg19) VCF-style: chr20-62065228-A-C.
Other names: c.1052T>G, p.Leu351Arg (NM_001382235.1, NM_004518.6, NM_172106.3 and 2 more transcripts); short protein forms L351R.
Identifiers: ClinVar variation 1470373 (VCV001470373.7), dbSNP rs2145680143, ClinGen allele CA409651204.